The following is an entry in ClinVar:

ClinVar aggregate classification (germline): Pathogenic (1 of 4 stars; one submission).

Conditions:
Autosomal recessive limb-girdle muscular dystrophy. Identifiers: Orphanet 102015, MedGen C2931907, MONDO:0015152.

Submission:

Myriad Genetics, Inc.
Classification: Pathogenic for Autosomal recessive limb-girdle muscular dystrophy. Last evaluated: 2023-09-20. Review status: criteria provided, single submitter. Criteria: Myriad Autosomal Dominant, Autosomal Recessive and X-Linked Classification Criteria (2023). Collection method: clinical testing. Allele origin: unknown.
Comment: NM_003494.3(DYSF):c.5927_5937del11(G1976Dfs*17) is expected to be pathogenic in the context of dysferlinopathy. This variant is predicted to lead to an abnormal or absent protein product due to the creation of a premature termination codon in DYSF, a gene where loss-of-function variants are known to be pathogenic. Please note: this variant was assessed in the context of healthy population screening.

NM_001130987.2(DYSF):c.6044_6054del (p.Gly2015fs)

Gene: DYSF (dysferlin; plus strand). Cytogenetic location: 2p13.2.
Variant type: Deletion.
Coding change: c.6044_6054del on transcript NM_001130987.2 (MANE Select); coding-DNA positions 6044 to 6054, 11 bases deleted (GTGAGAAGAAA).
Protein change: p.Gly2015fs; shifts the reading frame from glycine 2015.
Molecular consequence: frameshift variant.
Genome position (GRCh38, 1-based): chr2:71,679,216-71,679,226, GTGAGAAGAAA deleted. VCF-style (leftmost placement, unchanged base first): chr2-71679215-GGTGAGAAGAAA-G. GRCh37 (hg19) VCF-style: chr2-71906345-GGTGAGAAGAAA-G.
Other names: c.5930_5940del, p.Gly1977fs (NM_001130455.2); c.5885_5895del, p.Gly1962fs (NM_001130976.2); c.5948_5958del, p.Gly1983fs (NM_001130977.2); c.5990_6000del, p.Gly1997fs (NM_001130978.2); c.6020_6030del, p.Gly2007fs (NM_001130979.2); c.5978_5988del, p.Gly1993fs (NM_001130980.2); c.6041_6051del, p.Gly2014fs (NM_001130981.2); c.6023_6033del, p.Gly2008fs (NM_001130982.2); and 5 more; short protein forms G1962fs, G1963fs, G1976fs, G1977fs, G1983fs, G1984fs, G1993fs, G1994fs.
Identifiers: ClinVar variation 5011697 (VCV005011697.1).